The following is an entry in ClinVar:

NM_019112.4(ABCA7):c.5548G>A (p.Glu1850Lys)

Gene: ABCA7 (ATP binding cassette subfamily A member 7; plus strand). Cytogenetic location: 19p13.3.
Variant type: single nucleotide variant.
Coding change: c.5548G>A on transcript NM_019112.4 (MANE Select); coding-DNA position 5548, G replaced by A.
Protein change: p.Glu1850Lys; replaces glutamic acid 1850 with lysine.
Molecular consequence: missense variant.
Genome position (GRCh38, 1-based): chr19:1,061,866, G>A. VCF-style: chr19-1061866-G-A. GRCh37 (hg19) VCF-style: chr19-1061865-G-A.
Other names: short protein forms E1850K.
Identifiers: ClinVar variation 2585151 (VCV002585151.1), dbSNP rs530609497, ClinGen allele CA9034879.

ClinVar aggregate classification (germline): Uncertain significance (1 of 4 stars; one submission).

Conditions:
Alzheimer disease 9. Also called: ALZHEIMER DISEASE 9, LATE-ONSET; ALZHEIMER DISEASE 9, SUSCEPTIBILITY TO. Identifiers: MedGen C4282179, MONDO:0012153, OMIM 608907.

Allele frequency attached by ClinVar (database versions not stated): TOPMed 0.00003; gnomAD 0.00009; 1000 Genomes Project 0.00020; 1000 Genomes Project 30x 0.00031.
gnomAD v4.1: 52 of 1,599,202 alleles (0.0033%); highest among the groups gnomAD compares: South Asian, 0.016%; no homozygotes.

Submission:

Neuberg Centre For Genomic Medicine, NCGM
Classification: Uncertain significance for Alzheimer disease 9. Review status: criteria provided, single submitter. Criteria: ACMG Guidelines, 2015. Collection method: clinical testing. Allele origin: germline. Inheritance: Autosomal dominant inheritance. Affected: yes.
Comment: The missense c.5548G>A (p.Glu1850Lys) variant ABCA7 gene has not been reported previously as a pathogenic variant nor as a benign variant, to our knowledge. This variant is reported with the allele frequency 0.007% in the gnomAD and novel in 1000 genome database. The amino acid Glu at position 1850 is changed to a Lys changing protein sequence and it might alter its composition and physicochemical properties. The amino acid change p.Glu1850Lys in ABCA7 is predicted as conserved by GERP++ and PhyloP across 100 vertebrates. For these reasons, this variant has been classified as Uncertain Significance.